The following is an entry in ClinVar:

NM_017780.4(CHD7):c.3979A>G (p.Ile1327Val)

Gene: CHD7 (chromodomain helicase DNA binding protein 7; plus strand). Cytogenetic location: 8q12.2.
Variant type: single nucleotide variant.
Coding change: c.3979A>G on transcript NM_017780.4 (MANE Select); coding-DNA position 3979, A replaced by G.
Protein change: p.Ile1327Val; replaces isoleucine 1327 with valine.
Molecular consequence: missense variant. On other transcripts: intron variant (1).
Genome position (GRCh38, 1-based): chr8:60,836,273, A>G. VCF-style: chr8-60836273-A-G. GRCh37 (hg19) VCF-style: chr8-61748832-A-G.
Other names: c.1717-25956A>G (NM_001316690.1); short protein forms I1327V.
Identifiers: ClinVar variation 2629436 (VCV002629436.4), dbSNP rs1242697341, ClinGen allele CA371316524.

ClinVar aggregate classification (germline): Conflicting classifications of pathogenicity. Review status: criteria provided, conflicting classifications (1 of 4 stars). 2 submissions from 2 submitters: Uncertain significance (1); Likely benign (1). Last evaluated 2025-01-15.

Conditions:
CHD7-related disorder. Also called: CHD7-related condition.
CHARGE syndrome (CHARGE). Also called: Hittner Hirsch Kreh syndrome; CHARGE ASSOCIATION--COLOBOMA, HEART ANOMALY, CHOANAL ATRESIA, RETARDATION, GENITAL AND EAR ANOMALIES; Coloboma, heart anomaly, choanal atresia, retardation, genital and ear anomalies; CHARGE association; Hall-Hittner syndrome. Identifiers: Orphanet 138, MedGen C0265354, MONDO:0008965.

Allele frequency attached by ClinVar (database versions not stated): gnomAD exomes 0.00001.
gnomAD v4.1: 17 of 1,613,498 alleles (0.0011%); highest among the groups gnomAD compares: Non-Finnish European, 0.0014%; no homozygotes.

Submissions (2):

Labcorp Genetics (formerly Invitae), Labcorp
Classification: Likely benign for CHARGE syndrome. Last evaluated: 2025-01-15. Review status: criteria provided, single submitter. Criteria: Invitae Variant Classification Sherloc (09022015). Collection method: clinical testing. Allele origin: germline.

PreventionGenetics, part of Exact Sciences
Classification: Uncertain significance for CHD7-related condition. Last evaluated: 2022-08-30. Review status: criteria provided, single submitter. Criteria: ACMG Guidelines, 2015. Collection method: clinical testing. Allele origin: germline.
Comment: The CHD7 c.3979A>G variant is predicted to result in the amino acid substitution p.Ile1327Val. To our knowledge, this variant has not been reported in the literature. This variant is reported in 0.0018% of alleles in individuals of European (Non-Finnish) descent in gnomAD. At this time, the clinical significance of this variant is uncertain due to the absence of conclusive functional and genetic evidence.